The following is an entry in ClinVar:

NM_000169.3(GLA):c.185C>T (p.Ser62Phe)

Genes: GLA (galactosidase alpha; minus strand), RPL36A-HNRNPH2 (RPL36A-HNRNPH2 readthrough; plus strand). Cytogenetic location: Xq22.1.
Variant type: single nucleotide variant.
Coding change: c.185C>T on transcript NM_000169.3 (MANE Select); coding-DNA position 185, C replaced by T.
Protein change: p.Ser62Phe; replaces serine 62 with phenylalanine.
Molecular consequence: missense variant. On other transcripts: non-coding transcript variant (3), intron variant (2).
Genome position (GRCh38, 1-based): chrX:101,407,719, G>A on the plus strand (C>T on the coding strand, the complement: GLA is on the minus strand). VCF-style: chrX-101407719-G-A. GRCh37 (hg19) VCF-style: chrX-100662707-G-A.
Other names: c.185C>T, p.Ser62Phe (NM_001406747.1, NM_001406748.1, NM_001406749.1); c.301-4217G>A (NM_001199973.2); c.178-4217G>A (NM_001199974.2); short protein forms S62F.
Identifiers: ClinVar variation 651075 (VCV000651075.11), dbSNP rs1603047699, ClinGen allele CA413936652.

ClinVar aggregate classification (germline): Uncertain significance (1 of 4 stars; one submission).

Conditions:
Fabry disease. Also called: Fabry's disease; Ceramide trihexosidosis; ALPHA-GALACTOSIDASE A DEFICIENCY; ANDERSON-FABRY DISEASE; CERAMIDE TRIHEXOSIDASE DEFICIENCY; GLA DEFICIENCY. Identifiers: Orphanet 324, MedGen C0002986, MONDO:0010526, OMIM 301500, HP:0001071. Disease mechanism: Fabry disease is due to inactivating mutations in the X-linked GLA gene resulting in deficiency of the enzyme Alpha Galactosidase-A., loss of function.

Submission:

Labcorp Genetics (formerly Invitae), Labcorp
Classification: Uncertain significance for Fabry disease. Last evaluated: 2022-02-10. Review status: criteria provided, single submitter. Criteria: Invitae Variant Classification Sherloc (09022015). Collection method: clinical testing. Allele origin: germline.
Comment: Algorithms developed to predict the effect of missense changes on protein structure and function are either unavailable or do not agree on the potential impact of this missense change (SIFT: "Deleterious"; PolyPhen-2: "Benign"; Align-GVGD: "Class C0"). ClinVar contains an entry for this variant (Variation ID: 651075). This variant has not been reported in the literature in individuals affected with GLA-related conditions. This variant is not present in population databases (gnomAD no frequency). This sequence change replaces serine, which is neutral and polar, with phenylalanine, which is neutral and non-polar, at codon 62 of the GLA protein (p.Ser62Phe). In summary, the available evidence is currently insufficient to determine the role of this variant in disease. Therefore, it has been classified as a Variant of Uncertain Significance.